The following is an entry in ClinVar:

ClinVar aggregate classification (germline): Uncertain significance. Review status: criteria provided, multiple submitters, no conflicts (2 of 4 stars). 2 submissions from 2 submitters: Uncertain significance (2). Last evaluated 2022-03-13.

Conditions:
Ehlers-Danlos syndrome (EDS). Identifiers: Orphanet 98249, MedGen C0013720, MONDO:0020066.
Ehlers-Danlos syndrome, dermatosparaxis type. Also called: Dermatosparaxis; Ehlers-Danlos syndrome, type VII, autosomal recessive; EDS VIIC. Identifiers: Orphanet 1901, MedGen C2700425, MONDO:0009161, OMIM 225410.

Allele frequency attached by ClinVar (database versions not stated): gnomAD exomes below 0.00001 and 0.00003.
gnomAD v4.1: 44 of 1,614,178 alleles (0.0027%); highest among the groups gnomAD compares: Non-Finnish European, 0.0037%; no homozygotes.

Submissions (2):

Labcorp Genetics (formerly Invitae), Labcorp
Classification: Uncertain significance for Ehlers-Danlos syndrome, dermatosparaxis type. Last evaluated: 2022-03-13. Review status: criteria provided, single submitter. Criteria: Invitae Variant Classification Sherloc (09022015). Collection method: clinical testing. Allele origin: germline.
Comment: This sequence change replaces glutamic acid, which is acidic and polar, with glycine, which is neutral and non-polar, at codon 1197 of the ADAMTS2 protein (p.Glu1197Gly). This variant is not present in population databases (gnomAD no frequency). This variant has not been reported in the literature in individuals affected with ADAMTS2-related conditions. Algorithms developed to predict the effect of missense changes on protein structure and function are either unavailable or do not agree on the potential impact of this missense change (SIFT: "Deleterious"; PolyPhen-2: "Benign"; Align-GVGD: "Class C0"). In summary, the available evidence is currently insufficient to determine the role of this variant in disease. Therefore, it has been classified as a Variant of Uncertain Significance.

Genome Diagnostics Laboratory, The Hospital for Sick Children
Classification: Uncertain significance for Ehlers-Danlos syndrome. Last evaluated: 2022-02-28. Review status: criteria provided, single submitter. Criteria: ACMG Guidelines, 2015. Collection method: clinical testing. Allele origin: germline.

NM_014244.5(ADAMTS2):c.3590A>G (p.Glu1197Gly)

Gene: ADAMTS2 (ADAM metallopeptidase with thrombospondin type 1 motif 2; minus strand). Cytogenetic location: 5q35.3.
Variant type: single nucleotide variant.
Coding change: c.3590A>G on transcript NM_014244.5 (MANE Select); coding-DNA position 3590, A replaced by G.
Protein change: p.Glu1197Gly; replaces glutamic acid 1197 with glycine.
Molecular consequence: missense variant.
Genome position (GRCh38, 1-based): chr5:179,113,913, T>C on the plus strand (A>G on the coding strand, the complement: ADAMTS2 is on the minus strand). VCF-style: chr5-179113913-T-C. GRCh37 (hg19) VCF-style: chr5-178540914-T-C.
Other names: short protein forms E1197G.
Identifiers: ClinVar variation 1702234 (VCV001702234.5), dbSNP rs1561761828, ClinGen allele CA362410047.